The following is an entry in ClinVar:

ClinVar aggregate classification (germline): Likely benign. Review status: criteria provided, multiple submitters, no conflicts (2 of 4 stars). 3 submissions from 3 submitters: Likely benign (3). Last evaluated 2023-02-24.

Conditions:
Cardiovascular phenotype. Identifiers: MedGen CN230736.
Catecholaminergic polymorphic ventricular tachycardia (CVPT). Also called: Catecholamine-induced polymorphic ventricular tachycardia. Identifiers: Orphanet 3286, MedGen C5574922, MONDO:0017990.
Catecholaminergic polymorphic ventricular tachycardia 1. Also called: VENTRICULAR TACHYCARDIA, STRESS-INDUCED POLYMORPHIC 1; RYR2-Related Catecholaminergic Polymorphic Ventricular Tachycardia; VENTRICULAR TACHYCARDIA, CATECHOLAMINERGIC POLYMORPHIC, 1, WITH OR WITHOUT ATRIAL DYSFUNCTION AND/OR DILATED CARDIOMYOPATHY. Identifiers: Orphanet 3286, MedGen C1631597, MONDO:0011484, OMIM 604772.

Allele frequency attached by ClinVar (database versions not stated): TOPMed below 0.00001.

Submissions (3):

All of Us Research Program, National Institutes of Health
Classification: Likely benign for Catecholaminergic polymorphic ventricular tachycardia. Last evaluated: 2023-02-24. Review status: criteria provided, single submitter. Criteria: ACMG Guidelines, 2015. Collection method: clinical testing. Allele origin: germline. Inheritance: Autosomal dominant inheritance. Observed: 1 variant allele, 1 heterozygote.
Comment: This study involves interpretation of variants in research participants for the purpose of population health screening. Participant phenotype was not available at the time of variant classification. Additional details can be found in publication PMID: 35346344, PMCID: PMC8962531

Labcorp Genetics (formerly Invitae), Labcorp
Classification: Likely benign for Catecholaminergic polymorphic ventricular tachycardia 1. Last evaluated: 2022-06-23. Review status: criteria provided, single submitter. Criteria: Invitae Variant Classification Sherloc (09022015). Collection method: clinical testing. Allele origin: germline.

Ambry Genetics
Classification: Likely benign for Cardiovascular phenotype. Last evaluated: 2020-01-12. Review status: criteria provided, single submitter. Criteria: Ambry Variant Classification Scheme 2023. Collection method: clinical testing. Allele origin: germline.

NM_001035.3(RYR2):c.12939G>C (p.Leu4313=)

Genes: RYR2 (ryanodine receptor 2; plus strand), LOC126806068 (BRD4-independent group 4 enhancer GRCh37_chr1:237947411-237948610; plus strand). Cytogenetic location: 1q43.
Variant type: single nucleotide variant.
Coding change: c.12939G>C on transcript NM_001035.3 (MANE Select); coding-DNA position 12939, G replaced by C.
Protein change: p.Leu4313=; no amino-acid change (leucine 4313 retained).
Molecular consequence: synonymous variant.
Genome position (GRCh38, 1-based): chr1:237,784,651, G>C. VCF-style: chr1-237784651-G-C. GRCh37 (hg19) VCF-style: chr1-237947951-G-C.
Other names: c.12939G>C, p.Leu4313= (LRG_402t1).
Identifiers: ClinVar variation 412824 (VCV000412824.16), dbSNP rs893697261, ClinGen allele CA16610029.